The following is an entry in ClinVar:

NM_001201543.2(FAM161A):c.1193T>C (p.Leu398Pro)

Gene: FAM161A (FAM161 centrosomal protein A; minus strand). Cytogenetic location: 2p15.
Variant type: single nucleotide variant.
Coding change: c.1193T>C on transcript NM_001201543.2 (MANE Select); coding-DNA position 1193, T replaced by C.
Protein change: p.Leu398Pro; replaces leucine 398 with proline.
Molecular consequence: missense variant. On other transcripts: non-coding transcript variant (1).
Genome position (GRCh38, 1-based): chr2:61,839,811, A>G on the plus strand (T>C on the coding strand, the complement: FAM161A is on the minus strand). VCF-style: chr2-61839811-A-G. GRCh37 (hg19) VCF-style: chr2-62066946-A-G.
Other names: c.1193T>C, p.Leu398Pro (NM_032180.3); short protein forms L398P.
Identifiers: ClinVar variation 1497964 (VCV001497964.5), dbSNP rs200573215, ClinGen allele CA1679198.

ClinVar aggregate classification (germline): Uncertain significance (1 of 4 stars; one submission).

Allele frequency attached by ClinVar (database versions not stated): gnomAD exomes below 0.00001 and 0.00002; ExAC 0.00001; gnomAD 0.00001 and 0.00002; TOPMed 0.00002; 1000 Genomes Project 30x 0.00016; 1000 Genomes Project 0.00020.
gnomAD v4.1: 36 of 1,614,196 alleles (0.0022%); highest among the groups gnomAD compares: Non-Finnish European, 0.0031%; no homozygotes.

Submission:

Labcorp Genetics (formerly Invitae), Labcorp
Classification: Uncertain significance. Last evaluated: 2022-08-22. Review status: criteria provided, single submitter. Criteria: Invitae Variant Classification Sherloc (09022015). Collection method: clinical testing. Allele origin: germline.
Comment: This sequence change replaces leucine, which is neutral and non-polar, with proline, which is neutral and non-polar, at codon 398 of the FAM161A protein (p.Leu398Pro). This variant is present in population databases (rs200573215, gnomAD 0.002%). This variant has not been reported in the literature in individuals affected with FAM161A-related conditions. ClinVar contains an entry for this variant (Variation ID: 1497964). Algorithms developed to predict the effect of missense changes on protein structure and function output the following: SIFT: "Tolerated"; PolyPhen-2: "Benign"; Align-GVGD: "Class C0". The proline amino acid residue is found in multiple mammalian species, which suggests that this missense change does not adversely affect protein function. In summary, the available evidence is currently insufficient to determine the role of this variant in disease. Therefore, it has been classified as a Variant of Uncertain Significance.